The following is an entry in ClinVar:

ClinVar aggregate classification (germline): Uncertain significance (1 of 4 stars; one submission).

Conditions:
Cardiovascular phenotype. Identifiers: MedGen CN230736.

Submission:

Ambry Genetics
Classification: Uncertain significance for Cardiovascular phenotype. Last evaluated: 2025-12-11. Review status: criteria provided, single submitter. Criteria: Ambry Variant Classification Scheme 2023. Collection method: clinical testing. Allele origin: germline.
Comment: The p.R91H variant (also known as c.272G>A), located in coding exon 4 of the CALM3 gene, results from a G to A substitution at nucleotide position 272. The arginine at codon 91 is replaced by histidine, an amino acid with highly similar properties. This amino acid position is conserved. In addition, the in silico prediction for this alteration is inconclusive. Based on the available evidence, the clinical significance of this variant remains unclear.

NM_005184.4(CALM3):c.272G>A (p.Arg91His)

Gene: CALM3 (calmodulin 3; plus strand). Cytogenetic location: 19q13.32.
Variant type: single nucleotide variant.
Coding change: c.272G>A on transcript NM_005184.4 (MANE Select); coding-DNA position 272, G replaced by A.
Protein change: p.Arg91His; replaces arginine 91 with histidine.
Molecular consequence: missense variant.
Genome position (GRCh38, 1-based): chr19:46,608,575, G>A. VCF-style: chr19-46608575-G-A. GRCh37 (hg19) VCF-style: chr19-47111832-G-A.
Other names: c.272G>A, p.Arg91His (NM_001329922.1); c.164G>A, p.Arg55His (NM_001329923.1, NM_001329924.2, NM_001329925.2 and 2 more transcripts); short protein forms R91H, R55H.
Identifiers: ClinVar variation 4613796 (VCV004613796.1).